The following is an entry in ClinVar:

NM_006231.4(POLE):c.2598_2599del (p.Val867fs)

Gene: POLE (DNA polymerase epsilon, catalytic subunit; minus strand). Cytogenetic location: 12q24.33.
Variant type: Deletion.
Coding change: c.2598_2599del on transcript NM_006231.4 (MANE Select); coding-DNA positions 2598 to 2599, 2 bases deleted (CG; older notation c.2598_2599delCG).
Protein change: p.Val867fs; shifts the reading frame from valine 867.
Molecular consequence: frameshift variant.
Genome position (GRCh38, 1-based): chr12:132,664,111-132,664,112, CG deleted on the plus strand (CG on the coding strand, the reverse complement: POLE is on the minus strand); deleting any 2 consecutive bases within chr12:132,664,111-132,664,113 gives the same sequence; the c. name uses the placement nearest the transcript's 3' end. VCF-style (leftmost placement, unchanged base first): chr12-132664110-ACG-A. GRCh37 (hg19) VCF-style: chr12-133240696-ACG-A.
Other names: short protein forms V867fs.
Identifiers: ClinVar variation 821543 (VCV000821543.15), dbSNP rs1593782262, ClinGen allele CA915946847.

ClinVar aggregate classification (germline): Conflicting classifications of pathogenicity. Review status: criteria provided, conflicting classifications (1 of 4 stars). 2 submissions from 2 submitters: Pathogenic (1); Uncertain significance (1). Last evaluated 2025-10-03.

Conditions:
Hereditary cancer-predisposing syndrome. Also called: Tumor predisposition; Hereditary Cancer Syndrome; Neoplastic Syndromes, Hereditary; Hereditary neoplastic syndrome. Identifiers: Orphanet 140162, MedGen C0027672, MeSH D009386, MONDO:0015356.

Submissions (2):

Ambry Genetics
Classification: Uncertain significance for Hereditary cancer-predisposing syndrome. Last evaluated: 2025-10-03. Review status: criteria provided, single submitter. Criteria: Ambry Variant Classification Scheme 2023. Collection method: clinical testing. Allele origin: germline.
Comment: The c.2598_2599delCG variant, located in coding exon 23 of the POLE gene, results from a deletion of two nucleotides at nucleotide positions 2598 to 2599, causing a translational frameshift with a predicted alternate stop codon (p.V867Pfs*41). This alteration is expected to result in loss of function by premature protein truncation or nonsense-mediated mRNA decay. Although biallelic loss of function of POLE has been associated with autosomal recessive POLE deficiency, haploinsufficiency of POLE has not been established as a mechanism of disease for POLE-related polymerase proofreading-associated polyposis (PPAP) and POLE-related CMMRD-like syndrome. Based on the supporting evidence, this variant is expected to be causative of POLE deficiency when present along with a second pathogenic variant on the other allele; however, its clinical significance for PPAP and POLE-related CMMRD-like syndrome is unclear.

Labcorp Genetics (formerly Invitae), Labcorp
Classification: Pathogenic. Last evaluated: 2025-02-25. Review status: criteria provided, single submitter. Criteria: Invitae Variant Classification Sherloc (09022015). Collection method: clinical testing. Allele origin: germline.
Comment: This sequence change creates a premature translational stop signal (p.Val867Profs*41) in the POLE gene. It is expected to result in an absent or disrupted protein product. Loss-of-function variants in POLE are known to be pathogenic (PMID: 23230001, 25948378, 30503519). This variant is not present in population databases (gnomAD no frequency). This variant has not been reported in the literature in individuals affected with POLE-related conditions. ClinVar contains an entry for this variant (Variation ID: 821543). For these reasons, this variant has been classified as Pathogenic.

Literature cited by the submitters: PubMed 23230001 (cited by Labcorp Genetics (formerly Invitae), Labcorp); PubMed 25948378 (cited by Labcorp Genetics (formerly Invitae), Labcorp); PubMed 30503519 (cited by Labcorp Genetics (formerly Invitae), Labcorp).